The following is an entry in ClinVar:

NM_000719.7(CACNA1C):c.423A>T (p.Leu141Phe)

Gene: CACNA1C (calcium voltage-gated channel subunit alpha1 C; plus strand). Cytogenetic location: 12p13.33.
Variant type: single nucleotide variant.
Coding change: c.423A>T on transcript NM_000719.7 (MANE Select); coding-DNA position 423, A replaced by T.
Protein change: p.Leu141Phe; replaces leucine 141 with phenylalanine.
Molecular consequence: missense variant.
Genome position (GRCh38, 1-based): chr12:2,120,376, A>T. VCF-style: chr12-2120376-A-T. GRCh37 (hg19) VCF-style: chr12-2229542-A-T.
Other names: c.423A>T, p.Leu141Phe (NM_001129827.2, NM_001129829.2, NM_001129830.3 and 19 more transcripts); short protein forms L141F.
Identifiers: ClinVar variation 2843516 (VCV002843516.3), dbSNP rs2547773882, ClinGen allele CA383653678.

ClinVar aggregate classification (germline): Uncertain significance (1 of 4 stars; one submission).

Conditions:
Long QT syndrome (LQTS). Identifiers: MedGen C0023976, MeSH D008133, MONDO:0002442. Disease mechanism: loss of function. Inheritance: Various modes of inheritance.

Submission:

Labcorp Genetics (formerly Invitae), Labcorp
Classification: Uncertain significance for Long QT syndrome. Last evaluated: 2023-03-07. Review status: criteria provided, single submitter. Criteria: Invitae Variant Classification Sherloc (09022015). Collection method: clinical testing. Allele origin: germline.
Comment: Algorithms developed to predict the effect of sequence changes on RNA splicing suggest that this variant may create or strengthen a splice site. In summary, the available evidence is currently insufficient to determine the role of this variant in disease. Therefore, it has been classified as a Variant of Uncertain Significance. Advanced modeling of protein sequence and biophysical properties (such as structural, functional, and spatial information, amino acid conservation, physicochemical variation, residue mobility, and thermodynamic stability) performed at Invitae indicates that this missense variant is expected to disrupt CACNA1C protein function. This variant has not been reported in the literature in individuals affected with CACNA1C-related conditions. This variant is not present in population databases (gnomAD no frequency). This sequence change replaces leucine, which is neutral and non-polar, with phenylalanine, which is neutral and non-polar, at codon 141 of the CACNA1C protein (p.Leu141Phe).